The following is an entry in ClinVar:

NM_000458.4(HNF1B):c.248G>A (p.Gly83Asp)

Gene: HNF1B (HNF1 homeobox B; minus strand). Cytogenetic location: 17q12.
Variant type: single nucleotide variant.
Coding change: c.248G>A on transcript NM_000458.4 (MANE Select); coding-DNA position 248, G replaced by A.
Protein change: p.Gly83Asp; replaces glycine 83 with aspartic acid.
Molecular consequence: missense variant.
Genome position (GRCh38, 1-based): chr17:37,744,637, C>T on the plus strand (G>A on the coding strand, the complement: HNF1B is on the minus strand). VCF-style: chr17-37744637-C-T. GRCh37 (hg19) VCF-style: chr17-36104628-C-T.
Other names: c.248G>A, p.Gly83Asp (NM_001165923.4, NM_001304286.2); short protein forms G83D.
Identifiers: ClinVar variation 635722 (VCV000635722.1), dbSNP rs2511850713, ClinGen allele CA398753543.

ClinVar aggregate classification (germline): Likely pathogenic (1 of 4 stars; one submission).

Conditions:
Renal cysts and diabetes syndrome (RCAD). Also called: Familial hypoplastic, glomerulocystic kidney; MATURITY-ONSET DIABETES OF THE YOUNG, TYPE 5. Identifiers: Orphanet 93111, MedGen C0431693, MONDO:0007669, OMIM 137920.

Submission:

Institute of Human Genetics, FAU Erlangen, Friedrich-Alexander-Universität Erlangen-Nürnberg
Classification: Likely pathogenic for Renal cysts and diabetes syndrome. Last evaluated: 2019-07-06. Review status: criteria provided, single submitter. Criteria: ACMG Guidelines, 2015. Collection method: literature only. Allele origin: germline. Affected: yes.
Comment: This variant and it's classification has been reported by Vasileiou et al. 2019; DOI:10.1101/576918. The variants has previously been reported in PMID:28420700 as "c.248G>A,p.Gly83Asp" with clinical significance Likely pathogenic. It has been re-classified using InterVar and manual curation as Likely pathogenic based on PM1 PM2 PP3 PP5.

Literature cited by the submitters: PubMed 28420700; DOI 10.1101/576918.